The following is an entry in ClinVar:

NM_003482.4(KMT2D):c.12252_12257dup (p.Pro4086_Ser4087insGlnPro)

Gene: KMT2D (lysine methyltransferase 2D; minus strand). Cytogenetic location: 12q13.12.
Variant type: Duplication.
Coding change: c.12252_12257dup on transcript NM_003482.4 (MANE Select); coding-DNA positions 12252 to 12257, 6 bases duplicated (TCAGCC; older notation c.12252_12257dupTCAGCC).
Protein change: p.Pro4086_Ser4087insGlnPro.
Molecular consequence: inframe insertion.
Genome position (GRCh38, 1-based): chr12:49,032,448-49,032,453, GGCTGA duplicated on the plus strand (TCAGCC on the coding strand, the reverse complement: KMT2D is on the minus strand); duplicating any 6 consecutive bases within chr12:49,032,448-49,032,458 gives the same sequence; the c. name uses the placement nearest the transcript's 3' end. VCF-style (leftmost placement, unchanged base first): chr12-49032447-G-GGGCTGA. GRCh37 (hg19) VCF-style: chr12-49426230-G-GGGCTGA.
Identifiers: ClinVar variation 2803184 (VCV002803184.3), dbSNP rs2498358004, ClinGen allele CA2618609719.

ClinVar aggregate classification (germline): Uncertain significance (1 of 4 stars; one submission).

Conditions:
Kabuki syndrome. Also called: Kabuki make-up syndrome; NIIKAWA-KUROKI SYNDROME. Identifiers: Orphanet 2322, MedGen C0796004, MONDO:0016512.

Submission:

Labcorp Genetics (formerly Invitae), Labcorp
Classification: Uncertain significance for Kabuki syndrome. Last evaluated: 2023-12-15. Review status: criteria provided, single submitter. Criteria: Invitae Variant Classification Sherloc (09022015). Collection method: clinical testing. Allele origin: germline.
Comment: This variant, c.12252_12257dup, results in the insertion of 2 amino acid(s) of the KMT2D protein (p.Gln4085_Pro4086dup), but otherwise preserves the integrity of the reading frame. This variant is not present in population databases (gnomAD no frequency). This variant has not been reported in the literature in individuals affected with KMT2D-related conditions. In summary, the available evidence is currently insufficient to determine the role of this variant in disease. Therefore, it has been classified as a Variant of Uncertain Significance.